The following is an entry in ClinVar:

ClinVar aggregate classification (germline): Uncertain significance (1 of 4 stars; one submission).

Conditions:
Hereditary cancer-predisposing syndrome. Also called: Neoplastic Syndromes, Hereditary; Tumor predisposition; Hereditary Cancer Syndrome; Hereditary neoplastic syndrome. Identifiers: Orphanet 140162, MedGen C0027672, MeSH D009386, MONDO:0015356.

Submission:

Ambry Genetics
Classification: Uncertain significance for Hereditary cancer-predisposing syndrome. Last evaluated: 2017-09-01. Review status: criteria provided, single submitter. Criteria: Ambry Variant Classification Scheme 2023. Collection method: clinical testing. Allele origin: germline.
Comment: The p.Q293E variant (also known as c.877C>G), located in coding exon 10 of the MUTYH gene, results from a C to G substitution at nucleotide position 877. The glutamine at codon 293 is replaced by glutamic acid, an amino acid with highly similar properties. This amino acid position is highly conserved through armadillo but not in all available vertebrate species. In addition, the in silico prediction for this alteration is inconclusive. Since supporting evidence is limited at this time, the clinical significance of this alteration remains unclear.

NM_001048174.2(MUTYH):c.793C>G (p.Gln265Glu)

Gene: MUTYH (mutY DNA glycosylase; minus strand). Cytogenetic location: 1p34.1.
Variant type: single nucleotide variant.
Coding change: c.793C>G on transcript NM_001048174.2 (MANE Select); coding-DNA position 793, C replaced by G.
Protein change: p.Gln265Glu; replaces glutamine 265 with glutamic acid.
Molecular consequence: missense variant. On other transcripts: non-coding transcript variant (2).
Genome position (GRCh38, 1-based): chr1:45,332,222, G>C on the plus strand (C>G on the coding strand, the complement: MUTYH is on the minus strand). VCF-style: chr1-45332222-G-C. GRCh37 (hg19) VCF-style: chr1-45797894-G-C.
Other names: c.793C>G, p.Gln265Glu (NM_001048171.2, NM_001048173.2, NM_001293195.2); c.796C>G, p.Gln266Glu (NM_001048172.2); c.877C>G, p.Gln293Glu (NM_001128425.2); c.838C>G, p.Gln280Glu (NM_001293190.2); c.826C>G, p.Gln276Glu (NM_001293191.2); c.517C>G, p.Gln173Glu (NM_001293192.2, NM_001293196.2); c.448C>G, p.Gln150Glu (NM_001350650.2, NM_001350651.2); c.868C>G, p.Gln290Glu (NM_012222.3); short protein forms Q293E, Q290E, Q150E, Q173E, Q266E, Q276E, Q280E, Q265E.
Identifiers: ClinVar variation 483937 (VCV000483937.5), dbSNP rs1553127659, ClinGen allele CA340134487.